The following is an entry in ClinVar:

ClinVar aggregate classification (germline): Uncertain significance (1 of 4 stars; one submission).

Submission:

Labcorp Genetics (formerly Invitae), Labcorp
Classification: Uncertain significance. Last evaluated: 2023-07-10. Review status: criteria provided, single submitter. Criteria: Invitae Variant Classification Sherloc (09022015). Collection method: clinical testing. Allele origin: germline.
Comment: A copy number gain of the genomic region encompassing the full coding sequence of the CHUK gene has been identified. The boundaries of this event are unknown as they extend beyond the assayed region for this gene and therefore may encompass additional genes. As the precise location of this event is unknown, it may be in tandem or it may be located elsewhere in the genome. This variant has not been reported in the literature in individuals affected with CHUK-related conditions. Experimental studies and prediction algorithms are not available or were not evaluated, and the functional significance of this variant is currently unknown. In summary, the available evidence is currently insufficient to determine the role of this variant in disease. Therefore, it has been classified as a Variant of Uncertain Significance.

NC_000010.10:g.(?_99344461)_(105992004_?)dup

Genes: ABCC2 (ATP binding cassette subfamily C member 2; plus strand), ACTR1A (actin related protein 1A; minus strand), ARL3 (ARF like GTPase 3; minus strand), ARMH3 (armadillo like helical domain containing 3; minus strand), AS3MT (arsenite methyltransferase; plus strand) and 92 more. Cytogenetic location: 10q24.2-25.1.
Variant type: Duplication.
Identifiers: ClinVar variation 2424090 (VCV002424090.4).